The following is an entry in ClinVar:

NM_000188.3(HK1):c.2490C>T (p.Ala830=)

Gene: HK1 (hexokinase 1; plus strand). Cytogenetic location: 10q22.1.
Variant type: single nucleotide variant.
Coding change: c.2490C>T on transcript NM_000188.3 (MANE Select); coding-DNA position 2490, C replaced by T.
Protein change: p.Ala830=; no amino-acid change (alanine 830 retained).
Molecular consequence: synonymous variant.
Genome position (GRCh38, 1-based): chr10:69,398,709, C>T. VCF-style: chr10-69398709-C-T. GRCh37 (hg19) VCF-style: chr10-71158465-C-T.
Other names: c.2502C>T, p.Ala834= (NM_001322364.2, NM_001358263.1, NM_033497.3 and 1 more transcripts); c.2595C>T, p.Ala865= (NM_001322365.2); c.2406C>T, p.Ala802= (NM_001322366.1); c.2394C>T, p.Ala798= (NM_001322367.1); c.2487C>T, p.Ala829= (NM_033496.3); c.2454C>T, p.Ala818= (NM_033500.2); c.2490C>T (NM_000188.2).
Identifiers: ClinVar variation 1545751 (VCV001545751.10), dbSNP rs776166764, ClinGen allele CA209218303.

ClinVar aggregate classification (germline): Likely benign. Review status: criteria provided, multiple submitters, no conflicts (2 of 4 stars). 3 submissions from 3 submitters: Likely benign (3). Last evaluated 2025-01-05.

Conditions:
HK1-related disorder. Also called: HK1-related condition; HK1-related disorders.

Allele frequency attached by ClinVar (database versions not stated): gnomAD 0.00001.
gnomAD v4.1: 14 of 1,614,070 alleles (0.00087%); highest among the groups gnomAD compares: South Asian, 0.0033%; no homozygotes.

Submissions (3):

PreventionGenetics, part of Exact Sciences
Classification: Likely benign for HK1-related condition. Last evaluated: 2025-01-05. Review status: criteria provided, single submitter. Criteria: ACMG Guidelines, 2015. Collection method: clinical testing. Allele origin: germline.
Comment: This variant is classified as likely benign based on ACMG/AMP sequence variant interpretation guidelines (Richards et al. 2015 PMID: 25741868, with internal and published modifications).

Labcorp Genetics (formerly Invitae), Labcorp
Classification: Likely benign. Last evaluated: 2022-11-25. Review status: criteria provided, single submitter. Criteria: Invitae Variant Classification Sherloc (09022015). Collection method: clinical testing. Allele origin: germline.

Blueprint Genetics
Classification: Likely benign. Last evaluated: 2021-10-14. Review status: criteria provided, single submitter. Criteria: ACMG Guidelines, 2015. Collection method: clinical testing. Allele origin: germline.